The following is an entry in ClinVar:

ClinVar aggregate classification (germline): Uncertain significance (1 of 4 stars; one submission).

Conditions:
Hereditary spastic paraplegia 11. Also called: Spastic paraplegia, mental retardation and thin corpus callosum; Nakamura Osame syndrome; Autosomal recessive hereditary spastic paraplegia, mental impairment, and thin corpus callosum; SPASTIC PARAPLEGIA, AUTOSOMAL RECESSIVE, COMPLICATED, WITH THIN CORPUS CALLOSUM; SPASTIC PARAPLEGIA, AUTOSOMAL RECESSIVE, WITH MENTAL IMPAIRMENT AND THIN CORPUS CALLOSUM; Spastic Paraplegia 11. Identifiers: Orphanet 2822, MedGen C1858479, MONDO:0011445, OMIM 604360.

Allele frequency attached by ClinVar (database versions not stated): ExAC 0.00002.
gnomAD v4.1: 14 of 1,611,532 alleles (0.00087%); highest among the groups gnomAD compares: South Asian, 0.0088%; no homozygotes.

Submission:

Labcorp Genetics (formerly Invitae), Labcorp
Classification: Uncertain significance for Hereditary spastic paraplegia 11. Last evaluated: 2022-04-08. Review status: criteria provided, single submitter. Criteria: Invitae Variant Classification Sherloc (09022015). Collection method: clinical testing. Allele origin: germline.
Comment: This sequence change replaces arginine, which is basic and polar, with cysteine, which is neutral and slightly polar, at codon 1772 of the SPG11 protein (p.Arg1772Cys). This variant is present in population databases (rs769001849, gnomAD 0.01%). This variant has not been reported in the literature in individuals affected with SPG11-related conditions. Algorithms developed to predict the effect of missense changes on protein structure and function output the following: SIFT: "Deleterious"; PolyPhen-2: "Benign"; Align-GVGD: "Class C15". The cysteine amino acid residue is found in multiple mammalian species, which suggests that this missense change does not adversely affect protein function. In summary, the available evidence is currently insufficient to determine the role of this variant in disease. Therefore, it has been classified as a Variant of Uncertain Significance.

NM_025137.4(SPG11):c.5314C>T (p.Arg1772Cys)

Gene: SPG11 (SPG11 vesicle trafficking associated, spatacsin; minus strand). Cytogenetic location: 15q21.1.
Variant type: single nucleotide variant.
Coding change: c.5314C>T on transcript NM_025137.4 (MANE Select); coding-DNA position 5314, C replaced by T.
Protein change: p.Arg1772Cys; replaces arginine 1772 with cysteine.
Molecular consequence: missense variant.
Genome position (GRCh38, 1-based): chr15:44,584,366, G>A on the plus strand (C>T on the coding strand, the complement: SPG11 is on the minus strand). VCF-style: chr15-44584366-G-A. GRCh37 (hg19) VCF-style: chr15-44876564-G-A.
Other names: c.5314C>T, p.Arg1772Cys (NM_001160227.2); c.5170C>T, p.Arg1724Cys (NM_001411132.1); short protein forms R1724C, R1772C.
Identifiers: ClinVar variation 2159652 (VCV002159652.1), dbSNP rs769001849, ClinGen allele CA7534431.